The following is an entry in ClinVar:

NM_199420.4(POLQ):c.6326A>G (p.Lys2109Arg)

Gene: POLQ (DNA polymerase theta; minus strand). Cytogenetic location: 3q13.33.
Variant type: single nucleotide variant.
Coding change: c.6326A>G on transcript NM_199420.4 (MANE Select); coding-DNA position 6326, A replaced by G.
Protein change: p.Lys2109Arg; replaces lysine 2109 with arginine.
Molecular consequence: missense variant.
Genome position (GRCh38, 1-based): chr3:121,476,619, T>C on the plus strand (A>G on the coding strand, the complement: POLQ is on the minus strand). VCF-style: chr3-121476619-T-C. GRCh37 (hg19) VCF-style: chr3-121195466-T-C.
Other names: short protein forms K2109R.
Identifiers: ClinVar variation 3422626 (VCV003422626.1).

ClinVar aggregate classification (germline): Uncertain significance (1 of 4 stars; one submission).

gnomAD v4.1: 2 of 1,613,998 alleles (0.00012%); highest among the groups gnomAD compares: Middle Eastern, 0.016%; no homozygotes.

Submission:

Ambry Genetics
Classification: Uncertain significance. Last evaluated: 2024-10-28. Review status: criteria provided, single submitter. Criteria: Ambry Variant Classification Scheme 2023. Collection method: clinical testing. Allele origin: germline.
Comment: The p.K2109R variant (also known as c.6326A>G), located in coding exon 20 of the POLQ gene, results from an A to G substitution at nucleotide position 6326. The lysine at codon 2109 is replaced by arginine, an amino acid with highly similar properties. This amino acid position is conserved. In addition, this alteration is predicted to be tolerated by in silico analysis. Based on the available evidence, the clinical significance of this variant remains unclear.